The following is an entry in ClinVar:

NM_001142800.2(EYS):c.8616_8617del (p.Asp2873fs)

Genes: EYS (EGF-like photoreceptor maintenance factor; minus strand), PHF3 (PHD finger protein 3; plus strand). Cytogenetic location: 6q12.
Variant type: Deletion.
Coding change: c.8616_8617del on transcript NM_001142800.2 (MANE Select); coding-DNA positions 8616 to 8617, 2 bases deleted (TG; older notation c.8616_8617delTG).
Protein change: p.Asp2873fs; shifts the reading frame from aspartic acid 2873.
Molecular consequence: frameshift variant. On other transcripts: 3 prime UTR variant (5).
Genome position (GRCh38, 1-based): chr6:63,721,414-63,721,415, CA deleted on the plus strand (TG on the coding strand, the reverse complement: EYS is on the minus strand); deleting any 2 consecutive bases within chr6:63,721,414-63,721,416 gives the same sequence; the c. name uses the placement nearest the transcript's 3' end. VCF-style (leftmost placement, unchanged base first): chr6-63721413-TCA-T. GRCh37 (hg19) VCF-style: chr6-64431309-TCA-T.
Other names: c.8616_8617del (NM_001142800.1); c.*7707_*7708del (NM_001290259.2, NM_001370348.2, NM_001370349.2 and 2 more transcripts); c.8679_8680del, p.Asp2894fs (NM_001292009.2); short protein forms D2894fs, D2873fs.
Identifiers: ClinVar variation 1443051 (VCV001443051.11), dbSNP rs2149625000, ClinGen allele CA2573141297.
Genomic context (GRCh38, chr6:63,721,413, plus strand): 5'-TTTACTGTACATTCACCTCCATTTCTGCATGTGTTGTACCCACAGGCTGTCCCATCACAG[TCA>T]CCTACATTTGAGCCACCTTTTGCTCCAAATTCAGTTAATTGTAATTCTTGATTATTTATG-3'

ClinVar aggregate classification (germline): Pathogenic/Likely pathogenic. Review status: criteria provided, multiple submitters, no conflicts (2 of 4 stars). 3 submissions from 3 submitters: Pathogenic (1); Likely pathogenic (2). Last evaluated 2025-03-23.

Conditions:
Retinitis pigmentosa 25 (RP25). Identifiers: Orphanet 791, MedGen C1864446, MONDO:0011272, OMIM 602772.

Submissions (3):

Natera, Inc.
Classification: Likely pathogenic for Retinitis pigmentosa type 25. Last evaluated: 2025-03-23. Review status: criteria provided, single submitter. Criteria: Natera Variant Classification Schema (03/2026). Collection method: clinical testing. Allele origin: germline.
Comment: The c.8616_8617del variant in EYS is a frameshift variant predicted to shift the reading frame beginning at codon 2873 and leads to a stop codon 2 codons downstream. This variant is expected to result in nonsense mediated decay, truncation, or a dysfunctional protein product. This variant is rare in the general population with a frequency below the threshold expected for the associated phenotype(s). Given the available evidence, this variant is classified as Likely Pathogenic.

Labcorp Genetics (formerly Invitae), Labcorp
Classification: Pathogenic. Last evaluated: 2023-11-11. Review status: criteria provided, single submitter. Criteria: Invitae Variant Classification Sherloc (09022015). Collection method: clinical testing. Allele origin: germline.
Comment: This sequence change creates a premature translational stop signal (p.Asp2873Leufs*2) in the EYS gene. While this is not anticipated to result in nonsense mediated decay, it is expected to disrupt the last 272 amino acid(s) of the EYS protein. This variant is not present in population databases (gnomAD no frequency). This variant has not been reported in the literature in individuals affected with EYS-related conditions. ClinVar contains an entry for this variant (Variation ID: 1443051). This variant disrupts a region of the EYS protein in which other variant(s) (p.Tyr3135*) have been determined to be pathogenic (PMID: 18976725, 29159838, 30337596, 31074760). This suggests that this is a clinically significant region of the protein, and that variants that disrupt it are likely to be disease-causing. For these reasons, this variant has been classified as Pathogenic.

DBGen Ocular Genomics
Classification: Likely pathogenic for Retinitis pigmentosa 25. Last evaluated: 2023-01-01. Review status: criteria provided, single submitter. Criteria: ACMG Guidelines, 2015. Collection method: clinical testing. Allele origin: unknown. Inheritance: Autosomal recessive inheritance. Affected: yes.
Comment: Class 4 ACMG Guidelines, 2015 (PMID:25741868)

Literature cited by the submitters: PubMed 18976725 (cited by Labcorp Genetics (formerly Invitae), Labcorp); PubMed 29159838 (cited by Labcorp Genetics (formerly Invitae), Labcorp); PubMed 30337596 (cited by Labcorp Genetics (formerly Invitae), Labcorp); PubMed 31074760 (cited by Labcorp Genetics (formerly Invitae), Labcorp).